The following is an entry in ClinVar:

NM_003072.5(SMARCA4):c.1756_1757del (p.Lys586fs)

Gene: SMARCA4 (SWI/SNF related BAF chromatin remodeling complex subunit ATPase 4; plus strand). Cytogenetic location: 19p13.2.
Variant type: Deletion.
Coding change: c.1756_1757del on transcript NM_003072.5 (MANE Select); coding-DNA positions 1756 to 1757, 2 bases deleted (AA; older notation c.1756_1757delAA).
Protein change: p.Lys586fs; shifts the reading frame from lysine 586.
Molecular consequence: frameshift variant. On other transcripts: non-coding transcript variant (1).
Genome position (GRCh38, 1-based): chr19:10,996,375-10,996,376, AA deleted; deleting any 2 consecutive bases within chr19:10,996,372-10,996,376 gives the same sequence; the c. name uses the placement nearest the transcript's 3' end. VCF-style (leftmost placement, unchanged base first): chr19-10996371-GAA-G. GRCh37 (hg19) VCF-style: chr19-11107047-GAA-G.
Other names: c.1756_1757del, p.Lys586fs (NM_001128844.3, NM_001128845.2, NM_001128846.2 and 6 more transcripts); short protein forms K586fs.
Identifiers: ClinVar variation 4876051 (VCV004876051.1).
Genomic context (GRCh38, chr19:10,996,371, plus strand): 5'-CACGGAGCTGGTGCGGCAGCACAAGGCTGCCCAGGTCGCCAAGGAGAAAAAGAAGAAAAA[GAA>G]AAAGAAGGTGTGCTGGGCCTGGCATGGTGCCCGCCGCGGGTGGGATGGGAGCAGCCGTCT-3'

ClinVar aggregate classification (germline): Pathogenic (1 of 4 stars; one submission).

Conditions:
Rhabdoid tumor predisposition syndrome 2 (RTPS2). Identifiers: Orphanet 231108, Orphanet 69077, MedGen C2750074, MONDO:0013224, OMIM 613325.

Submission:

Myriad Genetics, Inc.
Classification: Pathogenic for Rhabdoid tumor predisposition syndrome 2. Last evaluated: 2026-05-14. Review status: criteria provided, single submitter. Criteria: Myriad Autosomal Dominant, Autosomal Recessive and X-Linked Classification Criteria (2023). Collection method: clinical testing. Allele origin: unknown.
Comment: This variant is considered pathogenic. This variant creates a frameshift predicted to result in premature protein truncation.